The following is an entry in ClinVar:

ClinVar aggregate classification (germline): Uncertain significance (1 of 4 stars; one submission).

Submission:

Ambry Genetics
Classification: Uncertain significance. Last evaluated: 2022-09-30. Review status: criteria provided, single submitter. Criteria: Ambry Variant Classification Scheme 2023. Collection method: clinical testing. Allele origin: germline.
Comment: The p.S1470R variant (also known as c.4410C>G), located in coding exon 4 of the ALPK2 gene, results from a C to G substitution at nucleotide position 4410. The serine at codon 1470 is replaced by arginine, an amino acid with dissimilar properties. This amino acid position is conserved. In addition, this alteration is predicted to be tolerated by in silico analysis. Since supporting evidence is limited at this time, the clinical significance of this alteration remains unclear.

NM_052947.4(ALPK2):c.4410C>G (p.Ser1470Arg)

Genes: ALPK2 (alpha kinase 2; minus strand), LOC126862764 (BRD4-independent group 4 enhancer GRCh37_chr18:56202574-56203773; plus strand). Cytogenetic location: 18q21.31.
Variant type: single nucleotide variant.
Coding change: c.4410C>G on transcript NM_052947.4 (MANE Select); coding-DNA position 4410, C replaced by G.
Protein change: p.Ser1470Arg; replaces serine 1470 with arginine.
Molecular consequence: missense variant.
Genome position (GRCh38, 1-based): chr18:58,535,777, G>C on the plus strand (C>G on the coding strand, the complement: ALPK2 is on the minus strand). VCF-style: chr18-58535777-G-C. GRCh37 (hg19) VCF-style: chr18-56203009-G-C.
Other names: short protein forms S1470R.
Identifiers: ClinVar variation 1740402 (VCV001740402.2), dbSNP rs2518874799, ClinGen allele CA402562666.